The following is an entry in ClinVar:

NM_000368.5(TSC1):c.1289_1290insGCGCGGACC (p.Pro430_Cys431insArgGlyPro)

Gene: TSC1 (TSC complex subunit 1; minus strand). Cytogenetic location: 9q34.13.
Variant type: Insertion.
Coding change: c.1289_1290insGCGCGGACC on transcript NM_000368.5 (MANE Select); coding-DNA positions 1289 to 1290, GCGCGGACC inserted.
Protein change: p.Pro430_Cys431insArgGlyPro.
Molecular consequence: inframe insertion.
Genome position: GRCh38 VCF-style: chr9-132907344-T-TGGTCCGCGC. GRCh37 (hg19) VCF-style: chr9-135782731-T-TGGTCCGCGC.
Other names: c.1286_1287insGCGCGGACC, p.Pro429_Cys430insArgGlyPro (NM_001162426.2); c.1136_1137insGCGCGGACC, p.Pro379_Cys380insArgGlyPro (NM_001162427.2); c.926_927insGCGCGGACC, p.Pro309_Cys310insArgGlyPro (NM_001362177.2).
Identifiers: ClinVar variation 534450 (VCV000534450.8), dbSNP rs1554816418, ClinGen allele CA658797325.

ClinVar aggregate classification (germline): Uncertain significance (1 of 4 stars; one submission).

Conditions:
Tuberous sclerosis 1 (TSC1). Identifiers: Orphanet 805, MedGen C1854465, MONDO:0008612, OMIM 191100.

Submission:

Labcorp Genetics (formerly Invitae), Labcorp
Classification: Uncertain significance for Tuberous sclerosis 1. Last evaluated: 2025-05-02. Review status: criteria provided, single submitter. Criteria: Invitae Variant Classification Sherloc (09022015). Collection method: clinical testing. Allele origin: germline.
Comment: This variant, c.1289_1290insGCGCGGACC, results in the insertion of 3 amino acid(s) of the TSC1 protein (p.Pro430_Cys431insArgGlyPro), but otherwise preserves the integrity of the reading frame. This variant is not present in population databases (gnomAD no frequency). This variant has not been reported in the literature in individuals affected with TSC1-related conditions. ClinVar contains an entry for this variant (Variation ID: 534450). Experimental studies and prediction algorithms are not available or were not evaluated, and the functional significance of this variant is currently unknown. In summary, the available evidence is currently insufficient to determine the role of this variant in disease. Therefore, it has been classified as a Variant of Uncertain Significance.